The following is an entry in ClinVar:

ClinVar aggregate classification (germline): Uncertain significance. Review status: criteria provided, multiple submitters, no conflicts (2 of 4 stars). 2 submissions from 2 submitters: Uncertain significance (2). Last evaluated 2025-02-04.

Allele frequency attached by ClinVar (database versions not stated): gnomAD exomes 0.00001; ExAC 0.00002; TOPMed 0.00002.
gnomAD v4.1: 9 of 1,614,048 alleles (0.00056%); highest among the groups gnomAD compares: South Asian, 0.0022%; no homozygotes.

Submissions (2):

GeneDx
Classification: Uncertain significance. Last evaluated: 2025-02-04. Review status: criteria provided, single submitter. Criteria: GeneDx Variant Classification Process June 2021. Collection method: clinical testing. Allele origin: germline. Affected: yes.
Comment: Has not been previously published as pathogenic or benign to our knowledge; Not observed at significant frequency in large population cohorts (gnomAD); In silico analysis indicates that this missense variant does not alter protein structure/function

Labcorp Genetics (formerly Invitae), Labcorp
Classification: Uncertain significance. Last evaluated: 2024-11-02. Review status: criteria provided, single submitter. Criteria: Invitae Variant Classification Sherloc (09022015). Collection method: clinical testing. Allele origin: germline.
Comment: This sequence change replaces proline, which is neutral and non-polar, with serine, which is neutral and polar, at codon 98 of the FBLN5 protein (p.Pro98Ser). This variant is present in population databases (rs778432879, gnomAD 0.003%). This variant has not been reported in the literature in individuals affected with FBLN5-related conditions. ClinVar contains an entry for this variant (Variation ID: 1988284). An algorithm developed to predict the effect of missense changes on protein structure and function (PolyPhen-2) suggests that this variant is likely to be disruptive. In summary, the available evidence is currently insufficient to determine the role of this variant in disease. Therefore, it has been classified as a Variant of Uncertain Significance.

NM_006329.4(FBLN5):c.292C>T (p.Pro98Ser)

Gene: FBLN5 (fibulin 5; minus strand). Cytogenetic location: 14q32.12.
Variant type: single nucleotide variant.
Coding change: c.292C>T on transcript NM_006329.4 (MANE Select); coding-DNA position 292, C replaced by T.
Protein change: p.Pro98Ser; replaces proline 98 with serine.
Molecular consequence: missense variant.
Genome position (GRCh38, 1-based): chr14:91,937,034, G>A on the plus strand (C>T on the coding strand, the complement: FBLN5 is on the minus strand). VCF-style: chr14-91937034-G-A. GRCh37 (hg19) VCF-style: chr14-92403378-G-A.
Other names: c.415C>T, p.Pro139Ser (NM_001384158.1); c.343C>T, p.Pro115Ser (NM_001384159.1); c.292C>T, p.Pro98Ser (NM_001384160.1); c.124C>T, p.Pro42Ser (NM_001384161.1, NM_001384162.1); short protein forms P139S, P115S, P98S, P42S.
Identifiers: ClinVar variation 1988284 (VCV001988284.5), dbSNP rs778432879, ClinGen allele CA7312883.